The following is an entry in ClinVar:

NM_152564.5(VPS13B):c.2281C>T (p.Pro761Ser)

Gene: VPS13B (vacuolar protein sorting 13 homolog B; plus strand). Cytogenetic location: 8q22.2.
Variant type: single nucleotide variant.
Coding change: c.2281C>T on transcript NM_152564.5 (MANE Select); coding-DNA position 2281, C replaced by T.
Protein change: p.Pro761Ser; replaces proline 761 with serine.
Molecular consequence: missense variant.
Genome position (GRCh38, 1-based): chr8:99,170,111, C>T. VCF-style: chr8-99170111-C-T. GRCh37 (hg19) VCF-style: chr8-100182339-C-T.
Other names: c.2281C>T, p.Pro761Ser (NM_015243.3, NM_017890.5); short protein forms P761S.
Identifiers: ClinVar variation 1002676 (VCV001002676.1), dbSNP rs1812241248, ClinGen allele CA371865441.

ClinVar aggregate classification (germline): Uncertain significance (1 of 4 stars; one submission).

Conditions:
Cohen syndrome (COH1). Also called: PEPPER SYNDROME; Cutis verticis gyrata, retinitis pigmentosa, and sensorineural deafness. Identifiers: Orphanet 193, MedGen C0265223, MONDO:0008999, OMIM 216550.

Submission:

Labcorp Genetics (formerly Invitae), Labcorp
Classification: Uncertain significance for Cohen syndrome. Last evaluated: 2020-06-02. Review status: criteria provided, single submitter. Criteria: Invitae Variant Classification Sherloc (09022015). Collection method: clinical testing. Allele origin: germline.
Comment: This sequence change replaces proline with serine at codon 761 of the VPS13B protein (p.Pro761Ser). The proline residue is weakly conserved and there is a moderate physicochemical difference between proline and serine. This variant is not present in population databases (ExAC no frequency). This variant has not been reported in the literature in individuals with VPS13B-related conditions. Algorithms developed to predict the effect of missense changes on protein structure and function are either unavailable or do not agree on the potential impact of this missense change (SIFT: Not Available; PolyPhen-2: Probably Damaging; Align-GVGD: Not Available). In summary, the available evidence is currently insufficient to determine the role of this variant in disease. Therefore, it has been classified as a Variant of Uncertain Significance.